The following is an entry in ClinVar:

NM_001145715.3(KPNA7):c.1175C>T (p.Ala392Val)

Gene: KPNA7 (karyopherin subunit alpha 7; minus strand). Cytogenetic location: 7q22.1.
Variant type: single nucleotide variant.
Coding change: c.1175C>T on transcript NM_001145715.3 (MANE Select); coding-DNA position 1175, C replaced by T.
Protein change: p.Ala392Val; replaces alanine 392 with valine.
Molecular consequence: missense variant.
Genome position (GRCh38, 1-based): chr7:99,182,025, G>A on the plus strand (C>T on the coding strand, the complement: KPNA7 is on the minus strand). VCF-style: chr7-99182025-G-A. GRCh37 (hg19) VCF-style: chr7-98779648-G-A.
Other names: c.1175C>T (NM_001145715.1); short protein forms A392V.
Identifiers: ClinVar variation 1007136 (VCV001007136.6), dbSNP rs1008416092, ClinGen allele CA163744987.

ClinVar aggregate classification (germline): Uncertain significance. Review status: criteria provided, multiple submitters, no conflicts (2 of 4 stars). 2 submissions from 2 submitters: Uncertain significance (2). Last evaluated 2025-01-06.

Allele frequency attached by ClinVar (database versions not stated): gnomAD exomes 0.00009; gnomAD 0.00007; TOPMed 0.00007.
gnomAD v4.1: 88 of 1,546,846 alleles (0.0057%); highest among the groups gnomAD compares: Admixed American, 0.026%; no homozygotes.

Submissions (2):

Labcorp Genetics (formerly Invitae), Labcorp
Classification: Uncertain significance. Last evaluated: 2025-01-06. Review status: criteria provided, single submitter. Criteria: Invitae Variant Classification Sherloc (09022015). Collection method: clinical testing. Allele origin: germline.
Comment: This sequence change replaces alanine, which is neutral and non-polar, with valine, which is neutral and non-polar, at codon 392 of the KPNA7 protein (p.Ala392Val). This variant is present in population databases (no rsID available, gnomAD 0.02%). This variant has not been reported in the literature in individuals affected with KPNA7-related conditions. ClinVar contains an entry for this variant (Variation ID: 1007136). Invitae Evidence Modeling of protein sequence and biophysical properties (such as structural, functional, and spatial information, amino acid conservation, physicochemical variation, residue mobility, and thermodynamic stability) indicates that this missense variant is not expected to disrupt KPNA7 protein function with a negative predictive value of 80%. In summary, the available evidence is currently insufficient to determine the role of this variant in disease. Therefore, it has been classified as a Variant of Uncertain Significance.

Ambry Genetics
Classification: Uncertain significance. Last evaluated: 2024-03-04. Review status: criteria provided, single submitter. Criteria: Ambry Variant Classification Scheme 2023. Collection method: clinical testing. Allele origin: germline.